The following is an entry in ClinVar:

NM_172364.5(CACNA2D4):c.133G>T (p.Ala45Ser)

Gene: CACNA2D4 (calcium voltage-gated channel auxiliary subunit alpha2delta 4; minus strand). Cytogenetic location: 12p13.33.
Variant type: single nucleotide variant.
Coding change: c.133G>T on transcript NM_172364.5 (MANE Select); coding-DNA position 133, G replaced by T.
Protein change: p.Ala45Ser; replaces alanine 45 with serine.
Molecular consequence: missense variant.
Genome position (GRCh38, 1-based): chr12:1,918,341, C>A on the plus strand (G>T on the coding strand, the complement: CACNA2D4 is on the minus strand). VCF-style: chr12-1918341-C-A. GRCh37 (hg19) VCF-style: chr12-2027507-C-A.
Other names: short protein forms A45S.
Identifiers: ClinVar variation 1039661 (VCV001039661.8), dbSNP rs746387365, ClinGen allele CA6387672.

ClinVar aggregate classification (germline): Uncertain significance (1 of 4 stars; one submission).

Allele frequency attached by ClinVar (database versions not stated): gnomAD exomes 0.00001; ExAC 0.00004.

Submission:

Labcorp Genetics (formerly Invitae), Labcorp
Classification: Uncertain significance. Last evaluated: 2022-11-08. Review status: criteria provided, single submitter. Criteria: Invitae Variant Classification Sherloc (09022015). Collection method: clinical testing. Allele origin: germline.
Comment: In summary, the available evidence is currently insufficient to determine the role of this variant in disease. Therefore, it has been classified as a Variant of Uncertain Significance. Algorithms developed to predict the effect of missense changes on protein structure and function (SIFT, PolyPhen-2, Align-GVGD) all suggest that this variant is likely to be tolerated. ClinVar contains an entry for this variant (Variation ID: 1039661). This variant has not been reported in the literature in individuals affected with CACNA2D4-related conditions. This variant is present in population databases (rs746387365, gnomAD 0.003%). This sequence change replaces alanine, which is neutral and non-polar, with serine, which is neutral and polar, at codon 45 of the CACNA2D4 protein (p.Ala45Ser).